The following is an entry in ClinVar:

NM_001010892.3(RSPH4A):c.613A>G (p.Ser205Gly)

Gene: RSPH4A (radial spoke head component 4A; plus strand). Cytogenetic location: 6q22.1.
Variant type: single nucleotide variant.
Coding change: c.613A>G on transcript NM_001010892.3 (MANE Select); coding-DNA position 613, A replaced by G.
Protein change: p.Ser205Gly; replaces serine 205 with glycine.
Molecular consequence: missense variant.
Genome position (GRCh38, 1-based): chr6:116,617,236, A>G. VCF-style: chr6-116617236-A-G. GRCh37 (hg19) VCF-style: chr6-116938399-A-G.
Other names: c.613A>G, p.Ser205Gly (NM_001161664.2); short protein forms S205G.
Identifiers: ClinVar variation 2037807 (VCV002037807.4), dbSNP rs1583346221, ClinGen allele CA365395163.

ClinVar aggregate classification (germline): Uncertain significance (1 of 4 stars; one submission).

Conditions:
Primary ciliary dyskinesia. Also called: Ciliary dyskinesia. Identifiers: Orphanet 244, MedGen C0008780, MONDO:0016575, HP:0012265.

Allele frequency attached by ClinVar (database versions not stated): gnomAD exomes below 0.00001.
gnomAD v4.1: 1 of 1,614,132 alleles (0.000062%); highest among the groups gnomAD compares: Non-Finnish European, 0.000085%; no homozygotes.

Submission:

Labcorp Genetics (formerly Invitae), Labcorp
Classification: Uncertain significance for Primary ciliary dyskinesia. Last evaluated: 2022-07-15. Review status: criteria provided, single submitter. Criteria: Invitae Variant Classification Sherloc (09022015). Collection method: clinical testing. Allele origin: germline.
Comment: This sequence change replaces serine, which is neutral and polar, with glycine, which is neutral and non-polar, at codon 205 of the RSPH4A protein (p.Ser205Gly). This variant is not present in population databases (gnomAD no frequency). This variant has not been reported in the literature in individuals affected with RSPH4A-related conditions. Algorithms developed to predict the effect of missense changes on protein structure and function (SIFT, PolyPhen-2, Align-GVGD) all suggest that this variant is likely to be tolerated. In summary, the available evidence is currently insufficient to determine the role of this variant in disease. Therefore, it has been classified as a Variant of Uncertain Significance.